The following is an entry in ClinVar:

ClinVar aggregate classification (germline): Uncertain significance (1 of 4 stars; one submission).

Conditions:
Tatton-Brown-Rahman overgrowth syndrome. Also called: Tall stature-intellectual disability-facial dysmorphism syndrome; Tatton-Brown-Rahman syndrome. Identifiers: Orphanet 404443, MedGen C4014545, MONDO:0014382, OMIM 615879.

Submission:

Labcorp Genetics (formerly Invitae), Labcorp
Classification: Uncertain significance for Tatton-Brown-Rahman overgrowth syndrome. Last evaluated: 2024-06-29. Review status: criteria provided, single submitter. Criteria: Invitae Variant Classification Sherloc (09022015). Collection method: clinical testing. Allele origin: germline.
Comment: This sequence change replaces valine, which is neutral and non-polar, with glycine, which is neutral and non-polar, at codon 375 of the DNMT3A protein (p.Val375Gly). This variant is not present in population databases (gnomAD no frequency). This variant has not been reported in the literature in individuals affected with DNMT3A-related conditions. An algorithm developed to predict the effect of missense changes on protein structure and function (PolyPhen-2) suggests that this variant is likely to be disruptive. In summary, the available evidence is currently insufficient to determine the role of this variant in disease. Therefore, it has been classified as a Variant of Uncertain Significance.

NM_022552.5(DNMT3A):c.1124T>G (p.Val375Gly)

Gene: DNMT3A (DNA methyltransferase 3 alpha; minus strand). Cytogenetic location: 2p23.3.
Variant type: single nucleotide variant.
Coding change: c.1124T>G on transcript NM_022552.5 (MANE Select); coding-DNA position 1124, T replaced by G.
Protein change: p.Val375Gly; replaces valine 375 with glycine.
Molecular consequence: missense variant. On other transcripts: non-coding transcript variant (1).
Genome position (GRCh38, 1-based): chr2:25,246,775, A>C on the plus strand (T>G on the coding strand, the complement: DNMT3A is on the minus strand). VCF-style: chr2-25246775-A-C. GRCh37 (hg19) VCF-style: chr2-25469644-A-C.
Other names: c.668T>G, p.Val223Gly (NM_001320893.1); c.455T>G, p.Val152Gly (NM_001375819.1); c.557T>G, p.Val186Gly (NM_153759.3); c.1124T>G, p.Val375Gly (NM_175629.2); short protein forms V223G, V375G, V152G, V186G.
Identifiers: ClinVar variation 3630806 (VCV003630806.2).